The following is an entry in ClinVar:

NM_004387.4(NKX2-5):c.248C>T (p.Ala83Val)

Gene: NKX2-5 (NK2 homeobox 5; minus strand). Cytogenetic location: 5q35.1.
Variant type: single nucleotide variant.
Coding change: c.248C>T on transcript NM_004387.4 (MANE Select); coding-DNA position 248, C replaced by T.
Protein change: p.Ala83Val; replaces alanine 83 with valine.
Molecular consequence: missense variant.
Genome position (GRCh38, 1-based): chr5:173,234,836, G>A on the plus strand (C>T on the coding strand, the complement: NKX2-5 is on the minus strand). VCF-style: chr5-173234836-G-A. GRCh37 (hg19) VCF-style: chr5-172661839-G-A.
Other names: c.248C>T, p.Ala83Val (NM_001166175.2, NM_001166176.2); short protein forms A83V.
Identifiers: ClinVar variation 1792045 (VCV001792045.2), dbSNP rs1182777346, ClinGen allele CA362163398.
Genomic context (GRCh38, chr5:173,234,836, plus strand): 5'-GCTGGGTCGGGGTCGCTGTAGGCACGTGGATAGAAGGCGGGGGCGGCGGGAAAGGCAGAC[G>A]CACACTTGGCCGGTGAAGGCGCGCGGCCCAGCTCTGCGCGCAGCTCTGGGAGGCCCGGCG-3'
Protein context (NP_004378.1, residues 73-93): LGRAPSPAKC[Ala83Val]SAFPAAPAFY

ClinVar aggregate classification (germline): Uncertain significance (1 of 4 stars; one submission).

Conditions:
Cardiovascular phenotype. Identifiers: MedGen CN230736.

Submission:

Ambry Genetics
Classification: Uncertain significance for Cardiovascular phenotype. Last evaluated: 2019-03-13. Review status: criteria provided, single submitter. Criteria: Ambry Variant Classification Scheme 2023. Collection method: clinical testing. Allele origin: germline.
Comment: The p.A83V variant (also known as c.248C>T), located in coding exon 1 of the NKX2-5 gene, results from a C to T substitution at nucleotide position 248. The alanine at codon 83 is replaced by valine, an amino acid with similar properties. This amino acid position is not well conserved in available vertebrate species, and valine is the reference amino acid in other vertebrate species. In addition, this alteration is predicted to be tolerated by in silico analysis. Since supporting evidence is limited at this time, the clinical significance of this alteration remains unclear.